The following is an entry in ClinVar:

ClinVar aggregate classification (germline): Likely pathogenic (1 of 4 stars; one submission).

Conditions:
Smith-Lemli-Opitz syndrome (SLOS). Also called: LETHAL ACRODYSGENITAL SYNDROME; POLYDACTYLY, SEX REVERSAL, RENAL HYPOPLASIA, AND UNILOBAR LUNG; RSH SYNDROME; RUTLEDGE LETHAL MULTIPLE CONGENITAL ANOMALY SYNDROME; 7-Dehydrocholesterol reductase deficiency. Identifiers: Orphanet 818, MedGen C0175694, MONDO:0010035, OMIM 270400.

gnomAD v4.1: 1 of 1,613,752 alleles (0.000062%); highest among the groups gnomAD compares: South Asian, 0.0011%; no homozygotes.

Submission:

Natera, Inc.
Classification: Likely pathogenic for Smith-Lemli-Opitz syndrome. Last evaluated: 2025-08-07. Review status: criteria provided, single submitter. Criteria: Natera Variant Classification Schema (03/2026). Collection method: clinical testing. Allele origin: germline.
Comment: The c.98+1G>A variant in DHCR7 is a canonical splice donor site variant predicted to affect pre-mRNA splicing, which may result in an abnormal transcript and altered protein product. This variant is expected to result in nonsense mediated decay, truncation, or a dysfunctional protein product. This variant is rare in the general population with a frequency below the threshold expected for the associated phenotype(s). Given the available evidence, this variant is classified as Likely Pathogenic.

NM_001360.3(DHCR7):c.98+1G>A

Gene: DHCR7 (7-dehydrocholesterol reductase; minus strand). Cytogenetic location: 11q13.4.
Variant type: single nucleotide variant.
Coding change: c.98+1G>A on transcript NM_001360.3 (MANE Select); the canonical splice donor site of the intron after coding-DNA position 98, G replaced by A.
Molecular consequence: splice donor variant.
Genome position (GRCh38, 1-based): chr11:71,444,854, C>T on the plus strand (G>A on the coding strand, the complement: DHCR7 is on the minus strand). VCF-style: chr11-71444854-C-T. GRCh37 (hg19) VCF-style: chr11-71155900-C-T.
Other names: c.98+1G>A (NM_001425120.1, NM_001425109.1, NM_001163817.2 and 11 more transcripts); c.-148+1G>A (NM_001425117.1).
Identifiers: ClinVar variation 4814846 (VCV004814846.1).